The following is an entry in ClinVar:

NM_170699.3(GPBAR1):c.649G>C (p.Ala217Pro)

Gene: GPBAR1 (G protein-coupled bile acid receptor 1; plus strand). Cytogenetic location: 2q35.
Variant type: single nucleotide variant.
Coding change: c.649G>C on transcript NM_170699.3 (MANE Select); coding-DNA position 649, G replaced by C.
Protein change: p.Ala217Pro; replaces alanine 217 with proline.
Molecular consequence: missense variant.
Genome position (GRCh38, 1-based): chr2:218,263,373, G>C. VCF-style: chr2-218263373-G-C. GRCh37 (hg19) VCF-style: chr2-219128096-G-C.
Other names: c.649G>C, p.Ala217Pro (NM_001077191.2, NM_001077194.2, NM_001321950.2); c.649G>C (NM_001321950.1); short protein forms A217P.
Identifiers: ClinVar variation 500437 (VCV000500437.8), dbSNP rs149245876, ClinGen allele CA2102650.

ClinVar aggregate classification (germline): Likely benign. Review status: criteria provided, multiple submitters, no conflicts (2 of 4 stars). 3 submissions from 3 submitters: Likely benign (2). 1 of the submissions does not count toward it. Last evaluated 2017-03-09.

Conditions:
GPBAR1-related disorder. Also called: GPBAR1-related condition.

Allele frequency attached by ClinVar (database versions not stated): 1000 Genomes Project 30x 0.00031; 1000 Genomes Project 0.00040; gnomAD exomes 0.00179 and 0.00284; gnomAD 0.00202 and 0.00212; ExAC 0.00251.
gnomAD v4.1: 4,340 of 1,598,040 alleles (0.27%); highest among the groups gnomAD compares: Non-Finnish European, 0.34%; 14 homozygotes.

Submissions (3):

Eurofins Ntd Llc (ga)
Classification: Likely benign. Last evaluated: 2017-03-09. Review status: criteria provided, single submitter. Criteria: EGL Classification Definitions 2015. Collection method: clinical testing. Allele origin: germline. Observed: 2 variant alleles, 2 heterozygotes.

Breakthrough Genomics
Classification: Likely benign. Review status: criteria provided, single submitter. Criteria: ACMG Guidelines, 2015. Collection method: not provided. Allele origin: germline. Inheritance: Unknown mechanism. Affected: yes.

PreventionGenetics, part of Exact Sciences
Classification: Likely benign for GPBAR1-related condition. Last evaluated: 2021-03-09. Review status: no assertion criteria provided. Collection method: clinical testing. Allele origin: germline. Not counted in ClinVar's aggregate classification.
Comment: This variant is classified as likely benign based on ACMG/AMP sequence variant interpretation guidelines (Richards et al. 2015 PMID: 25741868, with internal and published modifications).